The following is an entry in ClinVar:

NM_002291.3(LAMB1):c.4367C>G (p.Ala1456Gly)

Gene: LAMB1 (laminin subunit beta 1; minus strand). Cytogenetic location: 7q31.1.
Variant type: single nucleotide variant.
Coding change: c.4367C>G on transcript NM_002291.3 (MANE Select); coding-DNA position 4367, C replaced by G.
Protein change: p.Ala1456Gly; replaces alanine 1456 with glycine.
Molecular consequence: missense variant.
Genome position (GRCh38, 1-based): chr7:107,932,199, G>C on the plus strand (C>G on the coding strand, the complement: LAMB1 is on the minus strand). VCF-style: chr7-107932199-G-C. GRCh37 (hg19) VCF-style: chr7-107572644-G-C.
Other names: short protein forms A1456G.
Identifiers: ClinVar variation 2513757 (VCV002513757.3), dbSNP rs755030806, ClinGen allele CA4435065.
Genomic context (GRCh38, chr7:107,932,199, plus strand): 5'-TACATAACAAAAACTGAGGCCATCCACTGAGTTACCATCTTGGAGAGCTGTTCCACTTCA[G>C]CCAGGGCACTCAGGACATCTTGGTCCAAGTCCATGGCTTTCTGCCAGGCGTTGTGTGCAA-3'
Protein context (NP_002282.2, residues 1446-1466): DLDQDVLSAL[Ala1456Gly]EVEQLSKMVS

ClinVar aggregate classification (germline): Uncertain significance. Review status: criteria provided, multiple submitters, no conflicts (2 of 4 stars). 2 submissions from 2 submitters: Uncertain significance (2). Last evaluated 2025-04-17.

Conditions:
Inborn genetic diseases. Identifiers: MedGen C0950123, MeSH D030342.

Allele frequency attached by ClinVar (database versions not stated): gnomAD 0.00001; gnomAD exomes below 0.00001; ExAC 0.00001.
gnomAD v4.1: 5 of 1,614,082 alleles (0.00031%); highest among the groups gnomAD compares: Admixed American, 0.0067%; no homozygotes.

Submissions (2):

Labcorp Genetics (formerly Invitae), Labcorp
Classification: Uncertain significance. Last evaluated: 2025-04-17. Review status: criteria provided, single submitter. Criteria: Invitae Variant Classification Sherloc (09022015). Collection method: clinical testing. Allele origin: germline.
Comment: This sequence change replaces alanine, which is neutral and non-polar, with glycine, which is neutral and non-polar, at codon 1456 of the LAMB1 protein (p.Ala1456Gly). This variant is present in population databases (rs755030806, gnomAD 0.009%). This variant has not been reported in the literature in individuals affected with LAMB1-related conditions. ClinVar contains an entry for this variant (Variation ID: 2513757). An algorithm developed to predict the effect of missense changes on protein structure and function (PolyPhen-2) suggests that this variant is likely to be tolerated. In summary, the available evidence is currently insufficient to determine the role of this variant in disease. Therefore, it has been classified as a Variant of Uncertain Significance.

Ambry Genetics
Classification: Uncertain significance for Inborn genetic diseases. Last evaluated: 2023-05-23. Review status: criteria provided, single submitter. Criteria: Ambry Variant Classification Scheme 2023. Collection method: clinical testing. Allele origin: germline.